The following is an entry in ClinVar:

ClinVar aggregate classification (germline): Likely benign (1 of 4 stars; one submission).

Submission:

GeneDx
Classification: Likely benign. Last evaluated: 2016-04-01. Review status: criteria provided, single submitter. Criteria: GeneDx Variant Classification (06012015). Collection method: clinical testing. Allele origin: germline. Affected: yes.
Comment: This variant is considered likely benign or benign based on one or more of the following criteria: it is a conservative change, it occurs at a poorly conserved position in the protein, it is predicted to be benign by multiple in silico algorithms, and/or has population frequency not consistent with disease.

NM_001127222.2(CACNA1A):c.4479C>T (p.Tyr1493=)

Gene: CACNA1A (calcium voltage-gated channel subunit alpha1 A; minus strand). Cytogenetic location: 19p13.13.
Variant type: single nucleotide variant.
Coding change: c.4479C>T on transcript NM_001127222.2 (MANE Select); coding-DNA position 4479, C replaced by T.
Protein change: p.Tyr1493=; no amino-acid change (tyrosine 1493 retained).
Molecular consequence: synonymous variant.
Genome position (GRCh38, 1-based): chr19:13,257,461, G>A on the plus strand (C>T on the coding strand, the complement: CACNA1A is on the minus strand). VCF-style: chr19-13257461-G-A. GRCh37 (hg19) VCF-style: chr19-13368275-G-A.
Other names: c.4491C>T, p.Tyr1497= (NM_000068.4, NM_023035.3); c.4482C>T, p.Tyr1494= (NM_001127221.2, NM_001174080.2).
Identifiers: ClinVar variation 384839 (VCV000384839.1), dbSNP rs1057522060, ClinGen allele CA16608912.